The following is an entry in ClinVar:

ClinVar aggregate classification (germline): Uncertain significance (1 of 4 stars; one submission).

Conditions:
Congenital brain dysgenesis due to glutamine synthetase deficiency (GLND). Also called: GLUTAMINE SYNTHASE DEFICIENCY, CONGENITAL SYSTEMIC. Identifiers: Orphanet 71278, MedGen C1864910, MONDO:0012393, OMIM 610015.

Submission:

Labcorp Genetics (formerly Invitae), Labcorp
Classification: Uncertain significance for Congenital brain dysgenesis due to glutamine synthetase deficiency. Last evaluated: 2023-12-07. Review status: criteria provided, single submitter. Criteria: Invitae Variant Classification Sherloc (09022015). Collection method: clinical testing. Allele origin: germline.
Comment: This sequence change replaces valine, which is neutral and non-polar, with alanine, which is neutral and non-polar, at codon 329 of the GLUL protein (p.Val329Ala). This variant is not present in population databases (gnomAD no frequency). This variant has not been reported in the literature in individuals affected with GLUL-related conditions. ClinVar contains an entry for this variant (Variation ID: 2015222). Advanced modeling of protein sequence and biophysical properties (such as structural, functional, and spatial information, amino acid conservation, physicochemical variation, residue mobility, and thermodynamic stability) performed at Invitae indicates that this missense variant is not expected to disrupt GLUL protein function with a negative predictive value of 80%. In summary, the available evidence is currently insufficient to determine the role of this variant in disease. Therefore, it has been classified as a Variant of Uncertain Significance.

NM_001033044.4(GLUL):c.986T>C (p.Val329Ala)

Gene: GLUL (glutamate-ammonia ligase; minus strand). Cytogenetic location: 1q25.3.
Variant type: single nucleotide variant.
Coding change: c.986T>C on transcript NM_001033044.4 (MANE Select); coding-DNA position 986, T replaced by C.
Protein change: p.Val329Ala; replaces valine 329 with alanine.
Molecular consequence: missense variant.
Genome position (GRCh38, 1-based): chr1:182,384,541, A>G on the plus strand (T>C on the coding strand, the complement: GLUL is on the minus strand). VCF-style: chr1-182384541-A-G. GRCh37 (hg19) VCF-style: chr1-182353676-A-G.
Other names: c.986T>C, p.Val329Ala (NM_001033056.4, NM_002065.7); short protein forms V329A.
Identifiers: ClinVar variation 2015222 (VCV002015222.4), dbSNP rs2525574669, ClinGen allele CA343638320.